The following is an entry in ClinVar:

NM_001386298.1(CIC):c.7300A>T (p.Thr2434Ser)

Gene: CIC (capicua transcriptional repressor; plus strand). Cytogenetic location: 19q13.2.
Variant type: single nucleotide variant.
Coding change: c.7300A>T on transcript NM_001386298.1 (MANE Select); coding-DNA position 7300, A replaced by T.
Protein change: p.Thr2434Ser; replaces threonine 2434 with serine.
Molecular consequence: missense variant.
Genome position (GRCh38, 1-based): chr19:42,294,937, A>T. VCF-style: chr19-42294937-A-T. GRCh37 (hg19) VCF-style: chr19-42799089-A-T.
Other names: c.7300A>T, p.Thr2434Ser (NM_001304815.2); c.7297A>T, p.Thr2433Ser (NM_001379480.1, NM_001379482.1, NM_001439183.1); c.4567A>T, p.Thr1523Ser (NM_001379484.1, NM_001439191.1); c.4564A>T, p.Thr1522Ser (NM_001379485.1); c.7294A>T, p.Thr2432Ser (NM_001439184.1, NM_001439185.1, NM_001439186.1); c.7291A>T, p.Thr2431Ser (NM_001439187.1); c.7288A>T, p.Thr2430Ser (NM_001439188.1); c.4570A>T, p.Thr1524Ser (NM_001439189.1, NM_001439190.1); and 1 more; short protein forms T1522S, T1523S, T1524S, T1525S, T2430S, T2431S, T2432S, T2433S.
Identifiers: ClinVar variation 5020747 (VCV005020747.1).

ClinVar aggregate classification (germline): Uncertain significance (1 of 4 stars; one submission).

gnomAD v4.1: 2 of 1,600,398 alleles (0.00012%); highest among the groups gnomAD compares: Non-Finnish European, 0.00017%; no homozygotes.

Submission:

Dasa
Classification: Uncertain significance. Last evaluated: 2025-12-31. Review status: criteria provided, single submitter. Criteria: DASA Assertion Criteria. Collection method: clinical testing. Allele origin: germline.
Comment: NM_001386298.1(CIC):c.7300A>T (p.Thr2434Ser) is a missense variant that results in the substitution of threonine with serine. This variant is rare in population databases. Computational prediction algorithms are consistent with a benign effect. The currently available literature and clinical evidence are not sufficient to establish a definitive association between this variant and the reported condition. Therefore, this variant is classified as a variant of uncertain significance.